The following is an entry in ClinVar:

ClinVar aggregate classification (germline): Uncertain significance (1 of 4 stars; one submission).

Allele frequency attached by ClinVar (database versions not stated): TOPMed below 0.00001.

Submission:

Labcorp Genetics (formerly Invitae), Labcorp
Classification: Uncertain significance. Last evaluated: 2020-06-21. Review status: criteria provided, single submitter. Criteria: Invitae Variant Classification Sherloc (09022015). Collection method: clinical testing. Allele origin: germline.
Comment: In summary, the available evidence is currently insufficient to determine the role of this variant in disease. Therefore, it has been classified as a Variant of Uncertain Significance. Algorithms developed to predict the effect of missense changes on protein structure and function are either unavailable or do not agree on the potential impact of this missense change (SIFT: "Deleterious"; PolyPhen-2: "Benign"; Align-GVGD: "Class C0"). This variant has not been reported in the literature in individuals with RXYLT1-related conditions. This variant is not present in population databases (ExAC no frequency). This sequence change replaces isoleucine with phenylalanine at codon 350 of the RXYLT1 protein (p.Ile350Phe). The isoleucine residue is moderately conserved and there is a small physicochemical difference between isoleucine and phenylalanine.

NM_014254.3(RXYLT1):c.1048A>T (p.Ile350Phe)

Gene: RXYLT1 (ribitol xylosyltransferase 1; plus strand). Cytogenetic location: 12q14.2.
Variant type: single nucleotide variant.
Coding change: c.1048A>T on transcript NM_014254.3 (MANE Select); coding-DNA position 1048, A replaced by T.
Protein change: p.Ile350Phe; replaces isoleucine 350 with phenylalanine.
Molecular consequence: missense variant.
Genome position (GRCh38, 1-based): chr12:63,808,808, A>T. VCF-style: chr12-63808808-A-T. GRCh37 (hg19) VCF-style: chr12-64202588-A-T.
Other names: c.268A>T, p.Ile90Phe (NM_001278237.2); short protein forms I350F, I90F.
Identifiers: ClinVar variation 1054615 (VCV001054615.9), dbSNP rs1260308466, ClinGen allele CA385660066.
Genomic context (GRCh38, chr12:63,808,808, plus strand): 5'-TGCCCGGTCGGAGTAAACACAGAATGCTATCGAATCTATGAGGCTTGCTCCTATGGCTCC[A>T]TTCCTGTGGTGGAAGACGTGATGACAGCTGGCAACTGTGGGAATACATCTGTGCACCACG-3'
Protein context (NP_055069.1, residues 340-360): RIYEACSYGS[Ile350Phe]PVVEDVMTAG